The following is an entry in ClinVar:

NM_000031.6(ALAD):c.277G>A (p.Ala93Thr)

Gene: ALAD (aminolevulinate dehydratase; minus strand). Cytogenetic location: 9q32.
Variant type: single nucleotide variant.
Coding change: c.277G>A on transcript NM_000031.6 (MANE Select); coding-DNA position 277, G replaced by A.
Protein change: p.Ala93Thr; replaces alanine 93 with threonine.
Molecular consequence: missense variant.
Genome position (GRCh38, 1-based): chr9:113,390,918, C>T on the plus strand (G>A on the coding strand, the complement: ALAD is on the minus strand). VCF-style: chr9-113390918-C-T. GRCh37 (hg19) VCF-style: chr9-116153198-C-T.
Other names: c.364G>A, p.Ala122Thr (NM_001003945.3); c.253G>A, p.Ala85Thr (NM_001317745.2); short protein forms A85T, A122T, A93T.
Identifiers: ClinVar variation 912357 (VCV000912357.6), dbSNP rs138313868, ClinGen allele CA5196534.

ClinVar aggregate classification (germline): Uncertain significance. Review status: criteria provided, multiple submitters, no conflicts (2 of 4 stars). 2 submissions from 2 submitters: Uncertain significance (2). Last evaluated 2023-11-10.

Conditions:
Porphobilinogen synthase deficiency. Also called: ALAD DEFICIENCY; DELTA-AMINOLEVULINATE DEHYDRATASE DEFICIENCY; DOSS PORPHYRIA; PORPHYRIA, ALAD; Porphyria due to ALA dehydratase deficiency. Identifiers: Orphanet 100924, MedGen C0268328, MONDO:0013000, OMIM 612740.

Allele frequency attached by ClinVar (database versions not stated): ESP Exome Variant Server 0.00008; TOPMed 0.00012; gnomAD 0.00017 and 0.00019; gnomAD exomes 0.00020 and 0.00028; ExAC 0.00023.
gnomAD v4.1: 437 of 1,613,942 alleles (0.027%); highest among the groups gnomAD compares: Non-Finnish European, 0.034%; no homozygotes.

Submissions (2):

Labcorp Genetics (formerly Invitae), Labcorp
Classification: Uncertain significance. Last evaluated: 2023-11-10. Review status: criteria provided, single submitter. Criteria: Invitae Variant Classification Sherloc (09022015). Collection method: clinical testing. Allele origin: germline.
Comment: This sequence change replaces alanine, which is neutral and non-polar, with threonine, which is neutral and polar, at codon 93 of the ALAD protein (p.Ala93Thr). This variant is present in population databases (rs138313868, gnomAD 0.03%). This variant has not been reported in the literature in individuals affected with ALAD-related conditions. ClinVar contains an entry for this variant (Variation ID: 912357). Advanced modeling of protein sequence and biophysical properties (such as structural, functional, and spatial information, amino acid conservation, physicochemical variation, residue mobility, and thermodynamic stability) performed at Invitae indicates that this missense variant is not expected to disrupt ALAD protein function with a negative predictive value of 80%. In summary, the available evidence is currently insufficient to determine the role of this variant in disease. Therefore, it has been classified as a Variant of Uncertain Significance.

Illumina Laboratory Services, Illumina
Classification: Uncertain significance for Porphobilinogen synthase deficiency. Last evaluated: 2018-01-12. Review status: criteria provided, single submitter. Criteria: ICSL Variant Classification Criteria 13 December 2019. Collection method: clinical testing. Allele origin: germline.